The following is an entry in ClinVar:

ClinVar aggregate classification (germline): Likely benign (1 of 4 stars; one submission).

Submission:

CeGaT Center for Human Genetics Tuebingen
Classification: Likely benign. Last evaluated: 2025-08-01. Review status: criteria provided, single submitter. Criteria: CeGaT Center For Human Genetics Tuebingen Variant Classification Criteria Version 2. Collection method: clinical testing. Allele origin: germline. Affected: yes. Observed: 1 variant allele.
Comment: PTCH1: PM2:Supporting, BP4, BP7

NM_000264.5(PTCH1):c.4038T>C (p.Ser1346=)

Gene: PTCH1 (patched 1; minus strand). Cytogenetic location: 9q22.32.
Variant type: single nucleotide variant.
Coding change: c.4038T>C on transcript NM_000264.5 (MANE Select); coding-DNA position 4038, T replaced by C.
Protein change: p.Ser1346=; no amino-acid change (serine 1346 retained).
Molecular consequence: synonymous variant. On other transcripts: non-coding transcript variant (1).
Genome position (GRCh38, 1-based): chr9:95,447,218, A>G on the plus strand (T>C on the coding strand, the complement: PTCH1 is on the minus strand). VCF-style: chr9-95447218-A-G. GRCh37 (hg19) VCF-style: chr9-98209500-A-G.
Other names: c.3840T>C, p.Ser1280= (NM_001083602.3); c.4035T>C, p.Ser1345= (NM_001083603.3); c.3585T>C, p.Ser1195= (NM_001083604.3, NM_001083605.3, NM_001083606.3 and 1 more transcripts); c.3882T>C, p.Ser1294= (NM_001354918.2).
Identifiers: ClinVar variation 4085721 (VCV004085721.8).
Genomic context (GRCh38, chr9:95,447,218, plus strand): 5'-CTGGCAGTAGCCGGGCACGGAGCTGCCCATGGCAGTGGACGCTGGGTTCCGAGGGTTGTG[A>G]GAACGGGCCCCGCGAGGGCCCCAGCGGGCCCTATTGCTAGGGCCAGAATGCCCTTCAGTA-3'
Protein context (NP_000255.2, residues 1336-1356): RARWGPRGAR[Ser1346=]HNPRNPASTA